The following is an entry in ClinVar:

NM_203446.3(SYNJ1):c.2955A>G (p.Lys985=)

Gene: SYNJ1 (synaptojanin 1; minus strand). Cytogenetic location: 21q22.11.
Variant type: single nucleotide variant.
Coding change: c.2955A>G on transcript NM_203446.3 (MANE Select); coding-DNA position 2955, A replaced by G.
Protein change: p.Lys985=; no amino-acid change (lysine 985 retained).
Molecular consequence: synonymous variant.
Genome position (GRCh38, 1-based): chr21:32,650,266, T>C on the plus strand (A>G on the coding strand, the complement: SYNJ1 is on the minus strand). VCF-style: chr21-32650266-T-C. GRCh37 (hg19) VCF-style: chr21-34022576-T-C.
Other names: c.2955A>G, p.Lys985= (NM_001160302.2); c.2940A>G, p.Lys980= (NM_001160306.2); c.3072A>G, p.Lys1024= (NM_003895.4).
Identifiers: ClinVar variation 1102559 (VCV001102559.13), dbSNP rs534726886, ClinGen allele CA10003538.

ClinVar aggregate classification (germline): Likely benign. Review status: criteria provided, multiple submitters, no conflicts (2 of 4 stars). 3 submissions from 3 submitters: Likely benign (3). Last evaluated 2026-09-01.

Conditions:
Developmental and epileptic encephalopathy, 53. Also called: Epileptic encephalopathy, early infantile, 53. Identifiers: MedGen C4479313, MONDO:0033362, OMIM 617389.
Early-onset Parkinson disease 20. Also called: PARKINSON DISEASE 20, AUTOSOMAL RECESSIVE EARLY-ONSET. Identifiers: Orphanet 391411, MedGen C3809824, MONDO:0014233, OMIM 615530.

Allele frequency attached by ClinVar (database versions not stated): TOPMed below 0.00001; gnomAD 0.00003; gnomAD exomes 0.00005 and 0.00006; ExAC 0.00007; 1000 Genomes Project 0.00020; 1000 Genomes Project 30x 0.00031.

Submissions (3):

CeGaT Center for Human Genetics Tuebingen
Classification: Likely benign. Last evaluated: 2026-09-01. Review status: criteria provided, single submitter. Criteria: CeGaT Center For Human Genetics Tuebingen Variant Classification Criteria Version 2. Collection method: clinical testing. Allele origin: germline. Affected: yes. Observed: 1 variant allele.
Comment: SYNJ1: BP4, BP7

Labcorp Genetics (formerly Invitae), Labcorp
Classification: Likely benign for Developmental and epileptic encephalopathy, 53; Early-onset Parkinson disease 20. Last evaluated: 2025-12-30. Review status: criteria provided, single submitter. Criteria: Invitae Variant Classification Sherloc (09022015). Collection method: clinical testing. Allele origin: germline.

Blueprint Genetics
Classification: Likely benign. Last evaluated: 2024-06-14. Review status: criteria provided, single submitter. Criteria: ACMG Guidelines, 2015. Collection method: clinical testing. Allele origin: germline.